The following is an entry in ClinVar:

NM_000142.5(FGFR3):c.-6C>T

Gene: FGFR3 (fibroblast growth factor receptor 3; plus strand). Cytogenetic location: 4p16.3.
Variant type: single nucleotide variant.
Coding change: c.-6C>T on transcript NM_000142.5 (MANE Select); 6 bases upstream of the start codon, C replaced by T.
Molecular consequence: 5 prime UTR variant. On other transcripts: non-coding transcript variant (1).
Genome position (GRCh38, 1-based): chr4:1,793,929, C>T. VCF-style: chr4-1793929-C-T. GRCh37 (hg19) VCF-style: chr4-1795656-C-T.
Other names: c.-6C>T (NM_001163213.2, NM_001354809.2, NM_001354810.2 and 1 more transcripts).
Identifiers: ClinVar variation 4974590 (VCV004974590.1).

ClinVar aggregate classification (germline): Uncertain significance (1 of 4 stars; one submission).

Conditions:
Hypochondroplasia (HCH). Identifiers: Orphanet 429, MedGen C0410529, MONDO:0007793, OMIM 146000. Disease mechanism: gain of function.

gnomAD v4.1: 1 of 1,282,212 alleles (0.000078%); highest among the groups gnomAD compares: Non-Finnish European, 0.0001%; no homozygotes.

Submission:

Clinical Genomics Laboratory, Washington University in St. Louis
Classification: Uncertain significance for Hypochondroplasia. Last evaluated: 2025-11-21. Review status: criteria provided, single submitter. Criteria: ACMG Guidelines, 2015. Collection method: clinical testing. Allele origin: germline.
Comment: An FGFR3 c.-6C>T variant was identified at a heterozygous allelic fraction of 53.3%, a frequency which may be consistent with it being of germline origin. The FGFR3 c.-6C>T variant, to our knowledge, has not been reported in the medical literature. This variant is only observed in 1/1,282,212 alleles in the general population (gnomAD v4.1.0), indicating it is not a common variant. Due to limited information, and based on ACMG/AMP guidelines for variant interpretation (Richards S et al., PMID: 25741868), the clinical significance of this variant is uncertain at this time.